The following is an entry in ClinVar:

ClinVar aggregate classification (germline): Conflicting classifications of pathogenicity. Review status: criteria provided, conflicting classifications (1 of 4 stars). 3 submissions from 3 submitters: Uncertain significance (1); Likely benign (1). 1 of the submissions does not count toward it. Last evaluated 2025-12-18.

Conditions:
FBN3-related disorder. Also called: FBN3-related condition.

Allele frequency attached by ClinVar (database versions not stated): 1000 Genomes Project 30x 0.00078; 1000 Genomes Project 0.00080; gnomAD 0.00131 and 0.00144; ESP Exome Variant Server 0.00138; TOPMed 0.00139.

Submissions (3):

Labcorp Genetics (formerly Invitae), Labcorp
Classification: Likely benign. Last evaluated: 2025-12-18. Review status: criteria provided, single submitter. Criteria: Invitae Variant Classification Sherloc (09022015). Collection method: clinical testing. Allele origin: germline.

Ambry Genetics
Classification: Uncertain significance. Last evaluated: 2025-08-02. Review status: criteria provided, single submitter. Criteria: Ambry Variant Classification Scheme 2023. Collection method: clinical testing. Allele origin: germline.

PreventionGenetics, part of Exact Sciences
Classification: Likely benign for FBN3-related condition. Last evaluated: 2019-09-10. Review status: no assertion criteria provided. Collection method: clinical testing. Allele origin: germline. Not counted in ClinVar's aggregate classification.
Comment: This variant is classified as likely benign based on ACMG/AMP sequence variant interpretation guidelines (Richards et al. 2015 PMID: 25741868, with internal and published modifications).

NM_032447.5(FBN3):c.6719T>C (p.Met2240Thr)

Gene: FBN3 (fibrillin 3; minus strand). Cytogenetic location: 19p13.2.
Variant type: single nucleotide variant.
Coding change: c.6719T>C on transcript NM_032447.5 (MANE Select); coding-DNA position 6719, T replaced by C.
Protein change: p.Met2240Thr; replaces methionine 2240 with threonine.
Molecular consequence: missense variant.
Genome position (GRCh38, 1-based): chr19:8,087,112, A>G on the plus strand (T>C on the coding strand, the complement: FBN3 is on the minus strand). VCF-style: chr19-8087112-A-G. GRCh37 (hg19) VCF-style: chr19-8151996-A-G.
Other names: c.6719T>C (NM_032447.3, NM_001321431.1); c.6719T>C, p.Met2240Thr (NM_001321431.2); short protein forms M2240T.
Identifiers: ClinVar variation 1648800 (VCV001648800.11), dbSNP rs149882309, ClinGen allele CA9151160.